The following is an entry in ClinVar:

NM_001101.5(ACTB):c.-50G>T

Gene: ACTB (actin beta; minus strand). Cytogenetic location: 7p22.1.
Variant type: single nucleotide variant.
Coding change: c.-50G>T on transcript NM_001101.5 (MANE Select); 50 bases upstream of the start codon, G replaced by T.
Molecular consequence: 5 prime UTR variant.
Genome position (GRCh38, 1-based): chr7:5,530,567, C>A on the plus strand (G>T on the coding strand, the complement: ACTB is on the minus strand). VCF-style: chr7-5530567-C-A. GRCh37 (hg19) VCF-style: chr7-5570198-C-A.
Other names: c.-50G>T (LRG_132t1).
Identifiers: ClinVar variation 380478 (VCV000380478.1), dbSNP rs1039646624, ClinGen allele CA16605111.

ClinVar aggregate classification (germline): Likely benign (1 of 4 stars; one submission).

Allele frequency attached by ClinVar (database versions not stated): TOPMed 0.00008.

Submission:

GeneDx
Classification: Likely benign. Last evaluated: 2016-08-08. Review status: criteria provided, single submitter. Criteria: GeneDx Variant Classification (06012015). Collection method: clinical testing. Allele origin: germline. Affected: yes.
Comment: This variant is considered likely benign or benign based on one or more of the following criteria: it is a conservative change, it occurs at a poorly conserved position in the protein, it is predicted to be benign by multiple in silico algorithms, and/or has population frequency not consistent with disease.